The following is an entry in ClinVar:

ClinVar aggregate classification (germline): Pathogenic (1 of 4 stars; one submission).

Conditions:
Pallister-Hall syndrome (PHS). Also called: HYPOTHALAMIC HAMARTOBLASTOMA, HYPOPITUITARISM, IMPERFORATE ANUS, AND POSTAXIAL POLYDACTYLY; GLI3-Related Pallister-Hall Syndrome. Identifiers: Orphanet 672, MedGen C0265220, MONDO:0007804, OMIM 146510.
Greig cephalopolysyndactyly syndrome (GCPS). Also called: POLYSYNDACTYLY WITH PECULIAR SKULL SHAPE; GLI3-Related Greig Cephalopolysyndactyly Syndrome; Greig syndrome. Identifiers: Orphanet 380, MedGen C0265306, MONDO:0008287, OMIM 175700.

Submission:

Labcorp Genetics (formerly Invitae), Labcorp
Classification: Pathogenic for Pallister-Hall syndrome; Greig cephalopolysyndactyly syndrome. Last evaluated: 2016-05-05. Review status: criteria provided, single submitter. Criteria: Invitae Variant Classification Sherloc (09022015). Collection method: clinical testing. Allele origin: germline.
Comment: This sequence change deletes 1 nucleotide from exon 15 of the GLI3 mRNA (c.4395delC), causing a frameshift at codon 1466. This creates a premature translational stop signal in the last exon of the GLI3 mRNA (p.Ser1466Alafs*22). While this is not anticipated to result in nonsense mediated decay, it is expected to result in a truncated GLI3 protein. This variant has not been reported in the literature. However a pathogenic frameshift variant (p.Thr1488Lysfs*23) occurs downstream of this frameshift (PMID: 24736735), which indicates truncation of the 3' end of the GLI3 protein is deleterious. For these reasons, this variant has been classified as Pathogenic.

Literature cited by the submitters: PubMed 24736735.

NM_000168.6(GLI3):c.4395del (p.Ser1466fs)

Gene: GLI3 (GLI family zinc finger 3; minus strand). Cytogenetic location: 7p14.1.
Variant type: Deletion.
Coding change: c.4395del on transcript NM_000168.6 (MANE Select); coding-DNA position 4395, one base deleted (C; older notation c.4395delC).
Protein change: p.Ser1466fs; shifts the reading frame from serine 1466.
Molecular consequence: frameshift variant.
Genome position (GRCh38, 1-based): chr7:41,964,678, G deleted on the plus strand (C on the coding strand, the reverse complement: GLI3 is on the minus strand); the first of 2 consecutive G bases (chr7:41,964,678-41,964,679); deleting either gives the same sequence. VCF-style (leftmost placement, unchanged base first): chr7-41964677-TG-T. GRCh37 (hg19) VCF-style: chr7-42004275-TG-T.
Other names: short protein forms S1466fs.
Identifiers: ClinVar variation 459213 (VCV000459213.8), dbSNP rs1554304380, ClinGen allele CA658657668.